The following is an entry in ClinVar:

ClinVar aggregate classification (germline): Uncertain significance (1 of 4 stars; one submission).

Conditions:
Dilated cardiomyopathy 1W (CMD1W). Identifiers: Orphanet 154, MedGen C1969639, MONDO:0012667, OMIM 611407.

gnomAD v4.1: 4 of 1,614,182 alleles (0.00025%); highest among the groups gnomAD compares: Non-Finnish European, 0.00034%; no homozygotes.

Submission:

Labcorp Genetics (formerly Invitae), Labcorp
Classification: Uncertain significance for Dilated cardiomyopathy 1W. Last evaluated: 2024-10-03. Review status: criteria provided, single submitter. Criteria: Invitae Variant Classification Sherloc (09022015). Collection method: clinical testing. Allele origin: germline.
Comment: This sequence change replaces glutamic acid, which is acidic and polar, with aspartic acid, which is acidic and polar, at codon 563 of the VCL protein (p.Glu563Asp). This variant is not present in population databases (gnomAD no frequency). This variant has not been reported in the literature in individuals affected with VCL-related conditions. An algorithm developed to predict the effect of missense changes on protein structure and function (PolyPhen-2) suggests that this variant is likely to be disruptive. In summary, the available evidence is currently insufficient to determine the role of this variant in disease. Therefore, it has been classified as a Variant of Uncertain Significance.

NM_014000.3(VCL):c.1689A>C (p.Glu563Asp)

Gene: VCL (vinculin; plus strand). Cytogenetic location: 10q22.2.
Variant type: single nucleotide variant.
Coding change: c.1689A>C on transcript NM_014000.3 (MANE Select); coding-DNA position 1689, A replaced by C.
Protein change: p.Glu563Asp; replaces glutamic acid 563 with aspartic acid.
Molecular consequence: missense variant.
Genome position (GRCh38, 1-based): chr10:74,095,801, A>C. VCF-style: chr10-74095801-A-C. GRCh37 (hg19) VCF-style: chr10-75855559-A-C.
Other names: c.1689A>C, p.Glu563Asp (NM_003373.4); short protein forms E563D.
Identifiers: ClinVar variation 3710450 (VCV003710450.2).